The following is an entry in ClinVar:

NM_001042492.3(NF1):c.1302T>A (p.Cys434Ter)

Gene: NF1 (neurofibromin 1; plus strand). Cytogenetic location: 17q11.2.
Variant type: single nucleotide variant.
Coding change: c.1302T>A on transcript NM_001042492.3 (MANE Select); coding-DNA position 1302, T replaced by A.
Protein change: p.Cys434Ter; replaces cysteine 434 with a stop codon.
Molecular consequence: nonsense.
Genome position (GRCh38, 1-based): chr17:31,206,281, T>A. VCF-style: chr17-31206281-T-A. GRCh37 (hg19) VCF-style: chr17-29533299-T-A.
Other names: c.1302T>A, p.Cys434Ter (NM_000267.4, NM_001128147.3); short protein forms C434*.
Identifiers: ClinVar variation 485971 (VCV000485971.6), dbSNP rs1555611570, ClinGen allele CA398999306.

ClinVar aggregate classification (germline): Pathogenic. Review status: criteria provided, multiple submitters, no conflicts (2 of 4 stars). 2 submissions from 2 submitters: Pathogenic (2). Last evaluated 2025-12-22.

Conditions:
Neurofibromatosis, type 1 (NF1). Also called: NEUROFIBROMATOSIS, TYPE I, SOMATIC; VON RECKLINGHAUSEN DISEASE; Neurofibromatosis, type I; Peripheral type neurofibromatosis. Identifiers: Orphanet 636, MedGen C0027831, MONDO:0018975, OMIM 162200. Disease mechanism: loss of function.
Cardiovascular phenotype. Identifiers: MedGen CN230736.
Hereditary cancer-predisposing syndrome. Also called: Tumor predisposition; Neoplastic Syndromes, Hereditary; Hereditary Cancer Syndrome; Hereditary neoplastic syndrome. Identifiers: Orphanet 140162, MedGen C0027672, MeSH D009386, MONDO:0015356.

Submissions (2):

Labcorp Genetics (formerly Invitae), Labcorp
Classification: Pathogenic for Neurofibromatosis, type 1. Last evaluated: 2025-12-22. Review status: criteria provided, single submitter. Criteria: Invitae Variant Classification Sherloc (09022015). Collection method: clinical testing. Allele origin: germline.
Comment: This sequence change creates a premature translational stop signal (p.Cys434*) in the NF1 gene. It is expected to result in an absent or disrupted protein product. Loss-of-function variants in NF1 are known to be pathogenic (PMID: 10712197, 23913538). This variant is not present in population databases (gnomAD no frequency). This premature translational stop signal has been observed in individual(s) with neurofibromatosis type 1 (PMID: 25074460). ClinVar contains an entry for this variant (Variation ID: 485971). For these reasons, this variant has been classified as Pathogenic.

Ambry Genetics
Classification: Pathogenic for Cardiovascular phenotype; Hereditary cancer-predisposing syndrome. Last evaluated: 2017-07-17. Review status: criteria provided, single submitter. Criteria: Ambry Variant Classification Scheme 2023. Collection method: clinical testing. Allele origin: germline.
Comment: The p.C434* pathogenic mutation (also known as c.1302T>A), located in coding exon 12 of the NF1 gene, results from a T to A substitution at nucleotide position 1302. This changes the amino acid from a cysteine to a stop codon within coding exon 12. This mutation was identified in 1/279 French patients with a clinical diagnosis of NF1 (Pasmant E et al. Eur. J. Hum. Genet. 2015 May;23:596-601). In addition to the clinical data presented in the literature, this alteration is expected to result in loss of function by premature protein truncation or nonsense-mediated mRNA decay. As such, this alteration is interpreted as a disease-causing mutation.

Literature cited by the submitters: PubMed 10712197 (cited by Labcorp Genetics (formerly Invitae), Labcorp); PubMed 23913538 (cited by Labcorp Genetics (formerly Invitae), Labcorp); PubMed 25074460 (cited by Labcorp Genetics (formerly Invitae), Labcorp).